The following is an entry in ClinVar:

ClinVar aggregate classification (germline): Uncertain significance. Review status: criteria provided, multiple submitters, no conflicts (2 of 4 stars). 2 submissions from 2 submitters: Uncertain significance (2). Last evaluated 2025-01-20.

gnomAD v4.1: 5 of 1,546,534 alleles (0.00032%); highest among the groups gnomAD compares: African/African-American, 0.0069%; no homozygotes.

Submissions (2):

Labcorp Genetics (formerly Invitae), Labcorp
Classification: Uncertain significance. Last evaluated: 2025-01-20. Review status: criteria provided, single submitter. Criteria: Invitae Variant Classification Sherloc (09022015). Collection method: clinical testing. Allele origin: germline.
Comment: This sequence change replaces asparagine, which is neutral and polar, with aspartic acid, which is acidic and polar, at codon 989 of the EYS protein (p.Asn989Asp). This variant is not present in population databases (gnomAD no frequency). This variant has not been reported in the literature in individuals affected with EYS-related conditions. Invitae Evidence Modeling of protein sequence and biophysical properties (such as structural, functional, and spatial information, amino acid conservation, physicochemical variation, residue mobility, and thermodynamic stability) indicates that this missense variant is not expected to disrupt EYS protein function with a negative predictive value of 80%. In summary, the available evidence is currently insufficient to determine the role of this variant in disease. Therefore, it has been classified as a Variant of Uncertain Significance.

Blueprint Genetics
Classification: Uncertain significance. Last evaluated: 2022-11-23. Review status: criteria provided, single submitter. Criteria: ACMG Guidelines, 2015. Collection method: clinical testing. Allele origin: germline.

NM_001142800.2(EYS):c.2965A>G (p.Asn989Asp)

Gene: EYS (EGF-like photoreceptor maintenance factor; minus strand). Cytogenetic location: 6q12.
Variant type: single nucleotide variant.
Coding change: c.2965A>G on transcript NM_001142800.2 (MANE Select); coding-DNA position 2965, A replaced by G.
Protein change: p.Asn989Asp; replaces asparagine 989 with aspartic acid.
Molecular consequence: missense variant.
Genome position (GRCh38, 1-based): chr6:64,886,724, T>C on the plus strand (A>G on the coding strand, the complement: EYS is on the minus strand). VCF-style: chr6-64886724-T-C. GRCh37 (hg19) VCF-style: chr6-65596617-T-C.
Other names: c.2965A>G, p.Asn989Asp (NM_001292009.2); short protein forms N989D.
Identifiers: ClinVar variation 3707794 (VCV003707794.3).